The following is an entry in ClinVar:

NM_017514.5(PLXNA3):c.702C>T (p.Ser234=)

Gene: PLXNA3 (plexin A3; plus strand). Cytogenetic location: Xq28.
Variant type: single nucleotide variant.
Coding change: c.702C>T on transcript NM_017514.5 (MANE Select); coding-DNA position 702, C replaced by T.
Protein change: p.Ser234=; no amino-acid change (serine 234 retained).
Molecular consequence: synonymous variant.
Genome position (GRCh38, 1-based): chrX:154,461,206, C>T. VCF-style: chrX-154461206-C-T. GRCh37 (hg19) VCF-style: chrX-153689546-C-T.
Identifiers: ClinVar variation 3348965 (VCV003348965.1).
Genomic context (GRCh38, chrX:154,461,206, plus strand): 5'-CACGCTGTCCTTGTACCCTGCCTTTGACATCTACTACATCTACGGCTTCGTCAGCGCCTC[C>T]TTCGTGTACTTCCTGACGCTGCAGCTGGACACCCAGCAGACGCTGTTGGACACAGCGGGC-3'
Protein context (NP_059984.3, residues 224-244): IYYIYGFVSA[Ser234=]FVYFLTLQLD

ClinVar aggregate classification (germline): Likely benign (0 of 4 stars; one submission).

Conditions:
PLXNA3-related disorder. Also called: PLXNA3-related condition.

Submission:

PreventionGenetics, part of Exact Sciences
Classification: Likely benign for PLXNA3-related condition. Last evaluated: 2024-03-15. Review status: no assertion criteria provided. Collection method: clinical testing. Allele origin: germline.
Comment: This variant is classified as likely benign based on ACMG/AMP sequence variant interpretation guidelines (Richards et al. 2015 PMID: 25741868, with internal and published modifications).